The following is an entry in ClinVar:

NM_001349884.2(DRAM2):c.760A>G (p.Ile254Val)

Gene: DRAM2 (DNA damage regulated autophagy modulator 2; minus strand). Cytogenetic location: 1p13.3.
Variant type: single nucleotide variant.
Coding change: c.760A>G on transcript NM_001349884.2 (MANE Select); coding-DNA position 760, A replaced by G.
Protein change: p.Ile254Val; replaces isoleucine 254 with valine.
Molecular consequence: missense variant. On other transcripts: non-coding transcript variant (8).
Genome position (GRCh38, 1-based): chr1:111,118,201, T>C on the plus strand (A>G on the coding strand, the complement: DRAM2 is on the minus strand). VCF-style: chr1-111118201-T-C. GRCh37 (hg19) VCF-style: chr1-111660823-T-C.
Other names: c.760A>G, p.Ile254Val (NM_001349881.2, NM_001349882.2, NM_001349885.2 and 1 more transcripts); c.490A>G, p.Ile164Val (NM_001349886.2, NM_001349887.2, NM_001349888.2); c.370A>G, p.Ile124Val (NM_001349889.2, NM_001349890.2, NM_001349891.2 and 2 more transcripts); short protein forms I124V, I164V, I254V.
Identifiers: ClinVar variation 1372672 (VCV001372672.8), dbSNP rs1338016887, ClinGen allele CA341817910.
Genomic context (GRCh38, chr1:111,118,201, plus strand): 5'-GAAATATTTTATCCTTTCATCAAATATCTCTGGAAAGTAGCCGTGTTCGTTCATTGTTAA[T>C]AGGGCAAGGTGCAGTGTCATAGAGGGTTAATCCATGTAAATTGGCTTCCACCCGTAAAGA-3'
Protein context (NP_001336813.1, residues 244-264): LTLYDTAPCP[Ile254Val]NNERTRLLSR

ClinVar aggregate classification (germline): Uncertain significance (1 of 4 stars; one submission).

Allele frequency attached by ClinVar (database versions not stated): gnomAD exomes below 0.00001.
gnomAD v4.1: 6 of 1,613,178 alleles (0.00037%); highest among the groups gnomAD compares: Non-Finnish European, 0.00042%; no homozygotes.

Submission:

Labcorp Genetics (formerly Invitae), Labcorp
Classification: Uncertain significance. Last evaluated: 2022-08-16. Review status: criteria provided, single submitter. Criteria: Invitae Variant Classification Sherloc (09022015). Collection method: clinical testing. Allele origin: germline.
Comment: This sequence change replaces isoleucine, which is neutral and non-polar, with valine, which is neutral and non-polar, at codon 254 of the DRAM2 protein (p.Ile254Val). This variant is present in population databases (no rsID available, gnomAD 0.004%). This variant has not been reported in the literature in individuals affected with DRAM2-related conditions. ClinVar contains an entry for this variant (Variation ID: 1372672). Algorithms developed to predict the effect of missense changes on protein structure and function output the following: SIFT: "Tolerated"; PolyPhen-2: "Benign"; Align-GVGD: "Class C0". The valine amino acid residue is found in multiple mammalian species, which suggests that this missense change does not adversely affect protein function. In summary, the available evidence is currently insufficient to determine the role of this variant in disease. Therefore, it has been classified as a Variant of Uncertain Significance.